The following is an entry in ClinVar:

ClinVar aggregate classification (germline): Likely benign (3 of 4 stars; one submission).

Conditions:
Breast-ovarian cancer, familial, susceptibility to, 2 (BROVCA2). Also called: BRCA2 Hereditary Breast and Ovarian Cancer. Identifiers: Orphanet 145, MedGen C2675520, MONDO:0012933, OMIM 612555. Disease mechanism: loss of function.

Submission:

Evidence-based Network for the Interpretation of Germline Mutant Alleles (ENIGMA)
Classification: Likely benign for Breast-ovarian cancer, familial, susceptibility to, 2. Last evaluated: 2017-06-29. Review status: reviewed by expert panel. Criteria: ENIGMA BRCA1/2 Classification Criteria (2017-06-29). Collection method: curation. Allele origin: germline.
Comment: Synonymous substitution variant, with low bioinformatic likelihood to result in a splicing aberration (Splicing prior probability 0.02).

NM_000059.4(BRCA2):c.393C>T (p.Ser131=)

Gene: BRCA2 (BRCA2 DNA repair associated; plus strand). Cytogenetic location: 13q13.1.
Variant type: single nucleotide variant.
Coding change: c.393C>T on transcript NM_000059.4 (MANE Select); coding-DNA position 393, C replaced by T.
Protein change: p.Ser131=; no amino-acid change (serine 131 retained).
Molecular consequence: synonymous variant.
Genome position (GRCh38, 1-based): chr13:32,325,152, C>T. VCF-style: chr13-32325152-C-T. GRCh37 (hg19) VCF-style: chr13-32899289-C-T.
Identifiers: ClinVar variation 427416 (VCV000427416.3), dbSNP rs1131692136, ClinGen allele CA483273320.